The following is an entry in ClinVar:

NM_002470.4(MYH3):c.2426+6G>A

Gene: MYH3 (myosin heavy chain 3; minus strand). Cytogenetic location: 17p13.1.
Variant type: single nucleotide variant.
Coding change: c.2426+6G>A on transcript NM_002470.4 (MANE Select); 6 bases into the intron after coding-DNA position 2426, G replaced by A.
Molecular consequence: intron variant.
Genome position (GRCh38, 1-based): chr17:10,640,327, C>T on the plus strand (G>A on the coding strand, the complement: MYH3 is on the minus strand). VCF-style: chr17-10640327-C-T. GRCh37 (hg19) VCF-style: chr17-10543644-C-T.
Identifiers: ClinVar variation 2986657 (VCV002986657.3), dbSNP rs1289435275, ClinGen allele CA625049782.

ClinVar aggregate classification (germline): Uncertain significance (1 of 4 stars; one submission).

Allele frequency attached by ClinVar (database versions not stated): gnomAD exomes 0.00001.
gnomAD v4.1: 12 of 1,614,218 alleles (0.00074%); highest among the groups gnomAD compares: South Asian, 0.0055%; no homozygotes.

Submission:

Labcorp Genetics (formerly Invitae), Labcorp
Classification: Uncertain significance. Last evaluated: 2023-02-22. Review status: criteria provided, single submitter. Criteria: Invitae Variant Classification Sherloc (09022015). Collection method: clinical testing. Allele origin: germline.
Comment: In summary, the available evidence is currently insufficient to determine the role of this variant in disease. Therefore, it has been classified as a Variant of Uncertain Significance. Variants that disrupt the consensus splice site are a relatively common cause of aberrant splicing (PMID: 17576681, 9536098). Algorithms developed to predict the effect of sequence changes on RNA splicing suggest that this variant is not likely to affect RNA splicing. This variant has not been reported in the literature in individuals affected with MYH3-related conditions. This variant is present in population databases (no rsID available, gnomAD 0.003%). This sequence change falls in intron 21 of the MYH3 gene. It does not directly change the encoded amino acid sequence of the MYH3 protein. It affects a nucleotide within the consensus splice site.

Literature cited by the submitters: PubMed 17576681; PubMed 9536098.